The following is an entry in ClinVar:

NM_000059.4(BRCA2):c.6995G>C (p.Cys2332Ser)

Gene: BRCA2 (BRCA2 DNA repair associated; plus strand). Cytogenetic location: 13q13.1.
Variant type: single nucleotide variant.
Coding change: c.6995G>C on transcript NM_000059.4 (MANE Select); coding-DNA position 6995, G replaced by C.
Protein change: p.Cys2332Ser; replaces cysteine 2332 with serine.
Molecular consequence: missense variant.
Genome position (GRCh38, 1-based): chr13:32,346,884, G>C. VCF-style: chr13-32346884-G-C. GRCh37 (hg19) VCF-style: chr13-32921021-G-C.
Other names: c.6899G>C, p.Cys2300Ser (NM_001406719.1); c.6995G>C, p.Cys2332Ser (NM_001406720.1); c.2063G>C, p.Cys688Ser (NM_001406721.1); c.578G>C, p.Cys193Ser (NM_001406722.1); short protein forms C2332S, C193S, C688S, C2300S.
Identifiers: ClinVar variation 1946735 (VCV001946735.5), dbSNP rs786202536, ClinGen allele CA387793147.
Genomic context (GRCh38, chr13:32,346,884, plus strand): 5'-TAGGCACAATAAAAGATCGAAGATTGTTTATGCATCATGTTTCTTTAGAGCCGATTACCT[G>C]TGTACCCTTTCGGTAAGACATGTTTAAATTTTTCTAAATTCTAATACAGTATGAGAAAAG-3'
Protein context (NP_000050.3, residues 2322-2342): MHHVSLEPIT[Cys2332Ser]VPFRTTKERQ

ClinVar aggregate classification (germline): Uncertain significance (1 of 4 stars; one submission).

Conditions:
Hereditary breast ovarian cancer syndrome. Also called: Hereditary breast and ovarian cancer; Hereditary breast and/or ovarian cancer syndrome; Breast and ovarian cancer; BRCA1- and BRCA2-Associated Hereditary Breast and Ovarian Cancer; Hereditary breast and ovarian cancer syndrome; Hereditary breast and ovarian cancer syndrome (HBOC). Identifiers: Orphanet 145, MedGen C0677776, MeSH D061325, MONDO:0003582. Disease mechanism: loss of function.

Allele frequency attached by ClinVar (database versions not stated): gnomAD exomes below 0.00001.
gnomAD v4.1: 1 of 1,608,622 alleles (0.000062%); highest among the groups gnomAD compares: Non-Finnish European, 0.000085%; no homozygotes.

Submission:

Labcorp Genetics (formerly Invitae), Labcorp
Classification: Uncertain significance for Hereditary breast ovarian cancer syndrome. Last evaluated: 2022-02-11. Review status: criteria provided, single submitter. Criteria: Invitae Variant Classification Sherloc (09022015). Collection method: clinical testing. Allele origin: germline.
Comment: This variant has not been reported in the literature in individuals affected with BRCA2-related conditions. This variant is not present in population databases (gnomAD no frequency). This sequence change replaces cysteine, which is neutral and slightly polar, with serine, which is neutral and polar, at codon 2332 of the BRCA2 protein (p.Cys2332Ser). Advanced modeling of protein sequence and biophysical properties (such as structural, functional, and spatial information, amino acid conservation, physicochemical variation, residue mobility, and thermodynamic stability) performed at Invitae indicates that this missense variant is not expected to disrupt BRCA2 protein function. In summary, the available evidence is currently insufficient to determine the role of this variant in disease. Therefore, it has been classified as a Variant of Uncertain Significance.